The following is an entry in ClinVar:

NM_000274.4(OAT):c.1118G>A (p.Gly373Glu)

Gene: OAT (ornithine aminotransferase; minus strand). Cytogenetic location: 10q26.13.
Variant type: single nucleotide variant.
Coding change: c.1118G>A on transcript NM_000274.4 (MANE Select); coding-DNA position 1118, G replaced by A.
Protein change: p.Gly373Glu; replaces glycine 373 with glutamic acid.
Molecular consequence: missense variant.
Genome position (GRCh38, 1-based): chr10:124,400,881, C>T on the plus strand (G>A on the coding strand, the complement: OAT is on the minus strand). VCF-style: chr10-124400881-C-T. GRCh37 (hg19) VCF-style: chr10-126089450-C-T.
Other names: c.704G>A, p.Gly235Glu (NM_001171814.2); c.1118G>A, p.Gly373Glu (NM_001322965.2, NM_001322966.2, NM_001322967.2 and 3 more transcripts); c.797G>A, p.Gly266Glu (NM_001322971.2); c.518G>A, p.Gly173Glu (NM_001322974.2); short protein forms G235E, G373E, G173E, G266E.
Identifiers: ClinVar variation 56112 (VCV000056112.7), dbSNP rs386833595, ClinGen allele CA144134.

ClinVar aggregate classification (germline): Conflicting classifications of pathogenicity. Review status: criteria provided, conflicting classifications (1 of 4 stars). 4 submissions from 4 submitters: Pathogenic (1); Uncertain significance (2). 1 of the submissions does not count toward it. Last evaluated 2022-08-22.

Conditions:
OAT-related disorder. Also called: OAT-related condition.
Ornithine aminotransferase deficiency (GACR). Also called: OKT DEFICIENCY; Ornithine ketoacid aminotransferase deficiency; Gyrate atrophy; Gyrate atrophy of choroid and retina; Girate atrophy of the retina; HYPERORNITHINEMIA WITH GYRATE ATROPHY OF CHOROID AND RETINA. Identifiers: Orphanet 414, MedGen C0018425, MONDO:0009796, OMIM 258870.

Allele frequency attached by ClinVar (database versions not stated): gnomAD exomes below 0.00001; TOPMed 0.00001.
gnomAD v4.1: 4 of 1,605,476 alleles (0.00025%); highest among the groups gnomAD compares: Non-Finnish European, 0.00026%; no homozygotes.

Submissions (4):

Labcorp Genetics (formerly Invitae), Labcorp
Classification: Uncertain significance for Ornithine aminotransferase deficiency. Last evaluated: 2022-08-22. Review status: criteria provided, single submitter. Criteria: Invitae Variant Classification Sherloc (09022015). Collection method: clinical testing. Allele origin: germline.
Comment: This sequence change replaces glycine, which is neutral and non-polar, with glutamic acid, which is acidic and polar, at codon 373 of the OAT protein (p.Gly373Glu). This variant is not present in population databases (gnomAD no frequency). This missense change has been observed in individual(s) with gyrate atrophy of the choroid and retina (PMID: 1609808). ClinVar contains an entry for this variant (Variation ID: 56112). Algorithms developed to predict the effect of missense changes on protein structure and function are either unavailable or do not agree on the potential impact of this missense change (SIFT: "Deleterious"; PolyPhen-2: "Probably Damaging"; Align-GVGD: "Class C0"). In summary, the available evidence is currently insufficient to determine the role of this variant in disease. Therefore, it has been classified as a Variant of Uncertain Significance.

Blueprint Genetics
Classification: Pathogenic for OAT-related disorders. Last evaluated: 2021-10-08. Review status: criteria provided, single submitter. Criteria: ACMG Guidelines, 2015. Collection method: clinical testing. Allele origin: germline. Affected: yes. Observed: 3 variant alleles.

Fulgent Genetics
Classification: Uncertain significance for Ornithine aminotransferase deficiency. Last evaluated: 2021-07-21. Review status: criteria provided, single submitter. Criteria: ACMG Guidelines, 2015. Collection method: clinical testing. Allele origin: unknown.

Juha Muilu Group; Institute for Molecular Medicine Finland (FIMM)
Classification: Likely pathogenic for Ornithine aminotransferase deficiency. Review status: no assertion criteria provided. Collection method: not provided. Allele origin: unknown. Not counted in ClinVar's aggregate classification.
Comment: FinDis database variant: This variant was not found or characterized by our laboratory, data were collected from public sources: see reference
ClinVar note: Converted during submission from probable-pathogenic to Likely pathogenic.

Literature cited by the submitters: PubMed 1609808 (cited by Labcorp Genetics (formerly Invitae), Labcorp).